The following is an entry in ClinVar:

NM_021942.6(TRAPPC11):c.2569G>A (p.Val857Ile)

Gene: TRAPPC11 (trafficking protein particle complex subunit 11; plus strand). Cytogenetic location: 4q35.1.
Variant type: single nucleotide variant.
Coding change: c.2569G>A on transcript NM_021942.6 (MANE Select); coding-DNA position 2569, G replaced by A.
Protein change: p.Val857Ile; replaces valine 857 with isoleucine.
Molecular consequence: missense variant.
Genome position (GRCh38, 1-based): chr4:183,694,664, G>A. VCF-style: chr4-183694664-G-A. GRCh37 (hg19) VCF-style: chr4-184615817-G-A.
Other names: c.2569G>A, p.Val857Ile (NM_199053.3); short protein forms V857I.
Identifiers: ClinVar variation 2417043 (VCV002417043.7), dbSNP rs1736437879, ClinGen allele CA358872293.

ClinVar aggregate classification (germline): Uncertain significance (1 of 4 stars; one submission).

Conditions:
Autosomal recessive limb-girdle muscular dystrophy type R18 (LGMDR18). Also called: Limb-girdle muscular dystrophy, type 2S; MUSCULAR DYSTROPHY, LIMB-GIRDLE, AUTOSOMAL RECESSIVE 18; Autosomal recessive limb-girdle muscular dystrophy type 2S. Identifiers: Orphanet 369840, MedGen C4517996, MONDO:0014144, OMIM 615356.

Allele frequency attached by ClinVar (database versions not stated): gnomAD exomes below 0.00001.

Submission:

Labcorp Genetics (formerly Invitae), Labcorp
Classification: Uncertain significance for Autosomal recessive limb-girdle muscular dystrophy type R18. Last evaluated: 2023-01-01. Review status: criteria provided, single submitter. Criteria: Invitae Variant Classification Sherloc (09022015). Collection method: clinical testing. Allele origin: germline.
Comment: In summary, the available evidence is currently insufficient to determine the role of this variant in disease. Therefore, it has been classified as a Variant of Uncertain Significance. Advanced modeling of protein sequence and biophysical properties (such as structural, functional, and spatial information, amino acid conservation, physicochemical variation, residue mobility, and thermodynamic stability) performed at Invitae indicates that this missense variant is not expected to disrupt TRAPPC11 protein function. This variant has not been reported in the literature in individuals affected with TRAPPC11-related conditions. This variant is not present in population databases (gnomAD no frequency). This sequence change replaces valine, which is neutral and non-polar, with isoleucine, which is neutral and non-polar, at codon 857 of the TRAPPC11 protein (p.Val857Ile).